The following is an entry in ClinVar:

NM_058216.3(RAD51C):c.877A>C (p.Asn293His)

Gene: RAD51C (RAD51 paralog C; plus strand). Cytogenetic location: 17q22.
Variant type: single nucleotide variant.
Coding change: c.877A>C on transcript NM_058216.3 (MANE Select); coding-DNA position 877, A replaced by C.
Protein change: p.Asn293His; replaces asparagine 293 with histidine.
Molecular consequence: missense variant. On other transcripts: non-coding transcript variant (1).
Genome position (GRCh38, 1-based): chr17:58,720,785, A>C. VCF-style: chr17-58720785-A-C. GRCh37 (hg19) VCF-style: chr17-56798146-A-C.
Other names: c.877A>C (NM_058216.1); short protein forms N293H.
Identifiers: ClinVar variation 630689 (VCV000630689.11), dbSNP rs1567808290, ClinGen allele CA400359633.

ClinVar aggregate classification (germline): Uncertain significance. Review status: criteria provided, multiple submitters, no conflicts (2 of 4 stars). 3 submissions from 3 submitters: Uncertain significance (3). Last evaluated 2025-05-01.

Conditions:
Fanconi anemia complementation group O. Also called: RAD51C-Related Fanconi Anemia. Identifiers: Orphanet 84, MedGen C3150653, MONDO:0013248, OMIM 613390.
Hereditary cancer-predisposing syndrome. Also called: Hereditary Cancer Syndrome; Neoplastic Syndromes, Hereditary; Tumor predisposition; Hereditary neoplastic syndrome. Identifiers: Orphanet 140162, MedGen C0027672, MeSH D009386, MONDO:0015356.

Submissions (3):

Ambry Genetics
Classification: Uncertain significance for Hereditary cancer-predisposing syndrome. Last evaluated: 2025-05-01. Review status: criteria provided, single submitter. Criteria: Ambry Variant Classification Scheme 2023. Collection method: clinical testing. Allele origin: germline.
Comment: The p.N293H variant (also known as c.877A>C), located in coding exon 6 of the RAD51C gene, results from an A to C substitution at nucleotide position 877. The asparagine at codon 293 is replaced by histidine, an amino acid with similar properties. This amino acid position is conserved. In addition, this alteration is predicted to be tolerated by in silico analysis. Based on the available evidence, the clinical significance of this variant remains unclear.

Color Diagnostics, LLC DBA Color Health
Classification: Uncertain significance for Hereditary cancer-predisposing syndrome. Last evaluated: 2023-12-05. Review status: criteria provided, single submitter. Criteria: ACMG Guidelines, 2015. Collection method: clinical testing. Allele origin: germline.
Comment: This missense variant replaces asparagine with histidine at codon 293 of the RAD51C protein. Computational prediction suggests that this variant may not impact protein structure and function (internally defined REVEL score threshold <= 0.5, PMID: 27666373). To our knowledge, functional studies have not been reported for this variant. This variant has not been reported in individuals affected with RAD51C-related disorders in the literature. This variant has not been identified in the general population by the Genome Aggregation Database (gnomAD). The available evidence is insufficient to determine the role of this variant in disease conclusively. Therefore, this variant is classified as a Variant of Uncertain Significance.

Labcorp Genetics (formerly Invitae), Labcorp
Classification: Uncertain significance for Fanconi anemia complementation group O. Last evaluated: 2022-05-16. Review status: criteria provided, single submitter. Criteria: Invitae Variant Classification Sherloc (09022015). Collection method: clinical testing. Allele origin: germline.
Comment: In summary, the available evidence is currently insufficient to determine the role of this variant in disease. Therefore, it has been classified as a Variant of Uncertain Significance. Algorithms developed to predict the effect of missense changes on protein structure and function are either unavailable or do not agree on the potential impact of this missense change (SIFT: "Deleterious"; PolyPhen-2: "Possibly Damaging"; Align-GVGD: "Class C0"). ClinVar contains an entry for this variant (Variation ID: 630689). This variant has not been reported in the literature in individuals affected with RAD51C-related conditions. This variant is not present in population databases (gnomAD no frequency). This sequence change replaces asparagine, which is neutral and polar, with histidine, which is basic and polar, at codon 293 of the RAD51C protein (p.Asn293His).